The following is an entry in ClinVar:

ClinVar aggregate classification (germline): Benign/Likely benign. Review status: criteria provided, multiple submitters, no conflicts (2 of 4 stars). 26 submissions from 26 submitters: Benign (17); Likely benign (1). 8 of the submissions do not count toward it. Last evaluated 2026-09-01.

Conditions:
APC-Associated Polyposis Disorders.
Classic or attenuated familial adenomatous polyposis. Identifiers: MedGen CN372698, MONDO:0021057.
Hereditary cancer-predisposing syndrome. Also called: Neoplastic Syndromes, Hereditary; Hereditary neoplastic syndrome; Hereditary Cancer Syndrome; Tumor predisposition. Identifiers: Orphanet 140162, MedGen C0027672, MeSH D009386, MONDO:0015356.
Familial adenomatous polyposis 1 (FAP1). Also called: FAMILIAL ADENOMATOUS POLYPOSIS 1, ATTENUATED; POLYPOSIS, ADENOMATOUS INTESTINAL. Identifiers: MedGen C2713442, MONDO:0021056, OMIM 175100. Disease mechanism: loss of function.
Carcinoma of colon (CRC). Also called: Colon carcinoma; Colonic carcinoma. Identifiers: MedGen C0699790, MONDO:0002032.

Allele frequency attached by ClinVar (database versions not stated): ExAC 0.00975; TOPMed 0.01244; gnomAD exomes 0.01005 and 0.01280; gnomAD 0.01134 and 0.01107; 1000 Genomes Project 30x 0.00999; ESP Exome Variant Server 0.01169.
gnomAD v4.1: 20,398 of 1,613,536 alleles (1.3%); highest among the groups gnomAD compares: Middle Eastern, 2%; 174 homozygotes.

Submissions (26):

CeGaT Center for Human Genetics Tuebingen
Classification: Benign. Last evaluated: 2026-09-01. Review status: criteria provided, single submitter. Criteria: CeGaT Center For Human Genetics Tuebingen Variant Classification Criteria Version 2. Collection method: clinical testing. Allele origin: germline. Affected: yes. Observed: 112 variant alleles.
Comment: APC: BP4, BP7, BS1, BS2

Labcorp Genetics (formerly Invitae), Labcorp
Classification: Benign for Familial adenomatous polyposis 1. Last evaluated: 2026-02-04. Review status: criteria provided, single submitter. Criteria: Invitae Variant Classification Sherloc (09022015). Collection method: clinical testing. Allele origin: germline.

ARUP Laboratories, Molecular Genetics and Genomics, ARUP Laboratories
Classification: Benign. Last evaluated: 2025-05-15. Review status: criteria provided, single submitter. Criteria: ARUP Molecular Germline Variant Investigation Process 2024. Collection method: clinical testing. Allele origin: germline.

Center for Genomic Medicine, Rigshospitalet, Copenhagen University Hospital
Classification: Benign. Last evaluated: 2025-03-04. Review status: criteria provided, single submitter. Criteria: ACMG Guidelines, 2015. Collection method: clinical testing. Allele origin: germline.

Blueprint Genetics
Classification: Likely benign. Last evaluated: 2024-11-26. Review status: criteria provided, single submitter. Criteria: ACMG Guidelines, 2015. Collection method: clinical testing. Allele origin: germline.

All of Us Research Program, National Institutes of Health
Classification: Benign for Classic or attenuated familial adenomatous polyposis. Last evaluated: 2024-09-27. Review status: criteria provided, single submitter. Criteria: ACMG Guidelines, 2015. Collection method: clinical testing. Allele origin: germline. Inheritance: Autosomal dominant inheritance. Observed: 3,722 variant alleles, 3,695 heterozygotes, 26 homozygotes, 1 hemizygote.
Comment: This study involves interpretation of variants in research participants for the purpose of population health screening. Participant phenotype was not available at the time of variant classification. Additional details can be found in publication PMID: 35346344, PMCID: PMC8962531

Myriad Genetics, Inc.
Classification: Benign for Familial adenomatous polyposis 1. Last evaluated: 2024-04-09. Review status: criteria provided, single submitter. Criteria: Myriad Autosomal Dominant, Autosomal Recessive and X-Linked Classification Criteria (2023). Collection method: clinical testing. Allele origin: unknown.
Comment: This variant is considered benign. This variant is a silent/synonymous amino acid change and it is not expected to impact splicing.

KCCC/NGS Laboratory, Kuwait Cancer Control Center
Classification: Benign for Familial adenomatous polyposis 1. Last evaluated: 2023-07-07. Review status: criteria provided, single submitter. Criteria: ACMG Guidelines, 2015. Collection method: clinical testing. Allele origin: germline. Affected: yes.

Institute for Biomarker Research, Medical Diagnostic Laboratories, L.L.C.
Classification: Benign for Hereditary cancer-predisposing syndrome. Last evaluated: 2022-09-27. Review status: criteria provided, single submitter. Criteria: ACMG Guidelines, 2015. Collection method: clinical testing. Allele origin: germline.

Sema4
Classification: Benign for Hereditary cancer-predisposing syndrome. Last evaluated: 2021-05-11. Review status: criteria provided, single submitter. Criteria: Sema4 Curation Guidelines. Collection method: curation. Allele origin: germline.

Quest Diagnostics Nichols Institute San Juan Capistrano
Classification: Benign. Last evaluated: 2019-05-07. Review status: criteria provided, single submitter. Criteria: Quest Diagnostics criteria. Collection method: clinical testing. Allele origin: germline.

Illumina Laboratory Services, Illumina
Classification: Benign for APC-Associated Polyposis Disorders. Last evaluated: 2018-01-13. Review status: criteria provided, single submitter. Criteria: ICSL Variant Classification Criteria 13 December 2019. Collection method: clinical testing. Allele origin: germline.
Comment: This variant was observed in the ICSL laboratory as part of a predisposition screen in an ostensibly healthy population. It had not been previously curated by ICSL or reported in the Human Gene Mutation Database (HGMD: prior to June 1st, 2018), and was therefore a candidate for classification through an automated scoring system. Utilizing variant allele frequency, disease prevalence and penetrance estimates, and inheritance mode, an automated score was calculated to assess if this variant is too frequent to cause the disease. Based on the score and internal cut-off values, a variant classified as benign is not then subjected to further curation. The score for this variant resulted in a classification of benign for this disease.

PreventionGenetics, part of Exact Sciences
Classification: Benign. Last evaluated: 2016-12-16. Review status: criteria provided, single submitter. Criteria: ACMG Guidelines, 2015. Collection method: clinical testing. Allele origin: germline.

Color Diagnostics, LLC DBA Color Health
Classification: Benign for Hereditary cancer-predisposing syndrome. Last evaluated: 2016-03-17. Review status: criteria provided, single submitter. Criteria: ACMG Guidelines, 2015. Collection method: clinical testing. Allele origin: germline.

GeneDx
Classification: Benign. Last evaluated: 2015-03-03. Review status: criteria provided, single submitter. Criteria: GeneDx Variant Classification Process June 2021. Collection method: clinical testing. Allele origin: germline. Affected: yes.

Ambry Genetics
Classification: Benign for Hereditary cancer-predisposing syndrome. Last evaluated: 2014-10-22. Review status: criteria provided, single submitter. Criteria: Ambry Variant Classification Scheme 2023. Collection method: clinical testing. Allele origin: germline.

Eurofins Ntd Llc (ga)
Classification: Benign. Last evaluated: 2014-08-04. Review status: criteria provided, single submitter. Criteria: EGL Classification Definitions 2015. Collection method: clinical testing. Allele origin: germline. Observed: 2 variant alleles, 2 heterozygotes.

Laboratory for Molecular Medicine, Mass General Brigham Personalized Medicine
Classification: Benign. Last evaluated: 2012-04-24. Review status: criteria provided, single submitter. Criteria: LMM Criteria. Collection method: clinical testing. Allele origin: germline. Observed: 1 variant allele.
Comment: Leu2401Leu in exon 15 of APC: This variant is not expected to have clinical sign ificance because it does not alter an amino acid residue and is not located with in the splice consensus sequence. It has been identified in 1.3% (92/7020) of Eu ropean American chromosomes from a broad population by the NHLBI Exome Sequencin g Project (rs2229994).

True Health Diagnostics
Classification: Likely benign for Hereditary cancer-predisposing syndrome. Last evaluated: 2017-11-10. Review status: no assertion criteria provided. Collection method: clinical testing. Allele origin: germline. Not counted in ClinVar's aggregate classification.

Clinical Genetics DNA and cytogenetics Diagnostics Lab, Erasmus MC, Erasmus Medical Center
Classification: Benign. Review status: no assertion criteria provided. Collection method: clinical testing. Allele origin: germline. Affected: yes. Study: VKGL Data-share Consensus. Not counted in ClinVar's aggregate classification.

Clinical Genetics, Academic Medical Center
Classification: Benign. Review status: no assertion criteria provided. Collection method: clinical testing. Allele origin: germline. Affected: yes. Study: VKGL Data-share Consensus. Not counted in ClinVar's aggregate classification.

Department of Pathology and Laboratory Medicine, Sinai Health System
Classification: Benign for Carcinoma of colon. Review status: no assertion criteria provided. Collection method: clinical testing. Allele origin: unknown. Affected: yes. Observed: 2 variant alleles. Study: The Canadian Open Genetics Repository (COGR). Not counted in ClinVar's aggregate classification.
Comment: The p.Leu2401Leu variant is not expected to have clinical significance because it does not alter an amino acid residue, is not located near a splice junction, and is listed in the dbSNP database as coming from a "clinical source" (ID#: rs2229994) with an average heterozygosity of 0.022+/-0.103, therefore increasing the likelihood of this variant to be benign. It has been identified in our laboratory in one among the 973 individuals who have undergone APC testing. Additionally, it has been identified twice in the literature, in 2/258 (0.007% frequency) proband chromosomes and 1/1052 (0.001 frequency) control chromosomes where it was classified as a polymorhism (Hadjisavvas_2006_16650078, Zhou_2004_15122587). In summary, based on the above information, the p.Leu2401Leu variant is classified as predicted benign.

Genome Diagnostics Laboratory, Amsterdam University Medical Center
Classification: Benign. Review status: no assertion criteria provided. Collection method: clinical testing. Allele origin: germline. Affected: yes. Study: VKGL Data-share Consensus. Not counted in ClinVar's aggregate classification.

Joint Genome Diagnostic Labs from Nijmegen and Maastricht, Radboudumc and MUMC+
Classification: Benign. Review status: no assertion criteria provided. Collection method: clinical testing. Allele origin: germline. Affected: yes. Study: VKGL Data-share Consensus. Not counted in ClinVar's aggregate classification.

Laboratory of Diagnostic Genome Analysis, Leiden University Medical Center (LUMC)
Classification: Benign. Review status: no assertion criteria provided. Collection method: clinical testing. Allele origin: germline. Affected: yes. Study: VKGL Data-share Consensus. Not counted in ClinVar's aggregate classification.

Mayo Clinic Laboratories, Mayo Clinic
Classification: Benign. Review status: no assertion criteria provided. Collection method: clinical testing. Allele origin: unknown. Not counted in ClinVar's aggregate classification.

Literature cited by the submitters: PubMed 15122587 (cited by Quest Diagnostics Nichols Institute San Juan Capistrano).

NM_000038.6(APC):c.7201C>T (p.Leu2401=)

Gene: APC (APC regulator of Wnt signaling pathway; plus strand). Cytogenetic location: 5q22.2.
Variant type: single nucleotide variant.
Coding change: c.7201C>T on transcript NM_000038.6 (MANE Select); coding-DNA position 7201, C replaced by T.
Protein change: p.Leu2401=; no amino-acid change (leucine 2401 retained).
Molecular consequence: synonymous variant.
Genome position (GRCh38, 1-based): chr5:112,842,795, C>T. VCF-style: chr5-112842795-C-T. GRCh37 (hg19) VCF-style: chr5-112178492-C-T.
Other names: CCDS4107.1:c.7201C>T; p.Leu2401Leu; c.7201C>T, p.Leu2401= (NM_001127510.3, NM_001354895.2); c.7147C>T, p.Leu2383= (NM_001127511.3); c.7255C>T, p.Leu2419= (NM_001354896.2); c.7231C>T, p.Leu2411= (NM_001354897.2); c.7126C>T, p.Leu2376= (NM_001354898.2); c.7117C>T, p.Leu2373= (NM_001354899.2); and 7 more.
Identifiers: ClinVar variation 42249 (VCV000042249.77), dbSNP rs2229994, ClinGen allele CA012923.